The following is an entry in ClinVar:

ClinVar aggregate classification (germline): Uncertain significance (1 of 4 stars; one submission).

Conditions:
Early Myoclonic Encephalopathy. Identifiers: MedGen C0270855.

gnomAD v4.1: 6 of 1,613,590 alleles (0.00037%); highest among the groups gnomAD compares: Non-Finnish European, 0.00042%; no homozygotes.

Submission:

Labcorp Genetics (formerly Invitae), Labcorp
Classification: Uncertain significance for Early Myoclonic Encephalopathy. Last evaluated: 2025-05-14. Review status: criteria provided, single submitter. Criteria: Invitae Variant Classification Sherloc (09022015). Collection method: clinical testing. Allele origin: germline.
Comment: This sequence change replaces alanine, which is neutral and non-polar, with proline, which is neutral and non-polar, at codon 507 of the KCND2 protein (p.Ala507Pro). This variant is present in population databases (no rsID available, gnomAD 0.0009%). This variant has not been reported in the literature in individuals affected with KCND2-related conditions. Invitae Evidence Modeling of protein sequence and biophysical properties (such as structural, functional, and spatial information, amino acid conservation, physicochemical variation, residue mobility, and thermodynamic stability) indicates that this missense variant is not expected to disrupt KCND2 protein function with a negative predictive value of 95%. In summary, the available evidence is currently insufficient to determine the role of this variant in disease. Therefore, it has been classified as a Variant of Uncertain Significance.

NM_012281.3(KCND2):c.1519G>C (p.Ala507Pro)

Gene: KCND2 (potassium voltage-gated channel subfamily D member 2; plus strand). Cytogenetic location: 7q31.31.
Variant type: single nucleotide variant.
Coding change: c.1519G>C on transcript NM_012281.3 (MANE Select); coding-DNA position 1519, G replaced by C.
Protein change: p.Ala507Pro; replaces alanine 507 with proline.
Molecular consequence: missense variant.
Genome position (GRCh38, 1-based): chr7:120,745,831, G>C. VCF-style: chr7-120745831-G-C. GRCh37 (hg19) VCF-style: chr7-120385885-G-C.
Other names: short protein forms A507P.
Identifiers: ClinVar variation 4694369 (VCV004694369.1).